The following is an entry in ClinVar:

ClinVar aggregate classification (germline): Benign (1 of 4 stars; one submission).

Conditions:
Juvenile polyposis/hereditary hemorrhagic telangiectasia syndrome (JPHT). Also called: JP/HHT SYNDROME; JUVENILE POLYPOSIS WITH HEREDITARY HEMORRHAGIC TELANGIECTASIA; POLYPOSIS, GENERALIZED JUVENILE, WITH PULMONARY ARTERIOVENOUS MALFORMATION; TELANGIECTASIA, HEREDITARY HEMORRHAGIC, WITH JUVENILE POLYPOSIS COLI; Juvenile Polyposis Syndrome / Hereditary Hemorrhagic Telangiectasia (JPS/HHT). Identifiers: Orphanet 2929, MedGen C1832942, MONDO:0008278, OMIM 175050.

gnomAD v4.1: 1 of 1,609,220 alleles (0.000062%); highest among the groups gnomAD compares: African/African-American, 0.0013%; no homozygotes.

Submission:

Myriad Genetics, Inc.
Classification: Benign for Juvenile polyposis/hereditary hemorrhagic telangiectasia syndrome. Last evaluated: 2025-03-24. Review status: criteria provided, single submitter. Criteria: Myriad Autosomal Dominant, Autosomal Recessive and X-Linked Classification Criteria (2023). Collection method: clinical testing. Allele origin: unknown.
Comment: This variant is considered benign. This variant occurs in the non-coding 3' untranslated region of the gene, and is not expected to impact protein function.

NM_005359.6(SMAD4):c.*2G>A

Gene: SMAD4 (SMAD family member 4; plus strand). Cytogenetic location: 18q21.2.
Variant type: single nucleotide variant.
Coding change: c.*2G>A on transcript NM_005359.6 (MANE Select); 2 bases downstream of the stop codon, G replaced by A.
Molecular consequence: 3 prime UTR variant. On other transcripts: non-coding transcript variant (1).
Genome position (GRCh38, 1-based): chr18:51,078,469, G>A. VCF-style: chr18-51078469-G-A. GRCh37 (hg19) VCF-style: chr18-48604839-G-A.
Other names: c.*2G>A (NM_001407041.1, NM_001407042.1).
Identifiers: ClinVar variation 3904242 (VCV003904242.1).